The following is an entry in ClinVar:

ClinVar aggregate classification (germline): Uncertain significance. Review status: criteria provided, multiple submitters, no conflicts (2 of 4 stars). 3 submissions from 3 submitters: Uncertain significance (3). Last evaluated 2026-02-01.

Conditions:
Hereditary pheochromocytoma and paraganglioma. Also called: Hereditary pheochromocytoma-paraganglioma; Hereditary paragangliomas and pheochromocytomas; Hereditary Paraganglioma-Pheochromocytoma Syndromes. Identifiers: Orphanet 29072, MedGen C4274332, MONDO:0017366.
Hereditary cancer-predisposing syndrome. Also called: Hereditary Cancer Syndrome; Tumor predisposition; Neoplastic Syndromes, Hereditary; Hereditary neoplastic syndrome. Identifiers: Orphanet 140162, MedGen C0027672, MeSH D009386, MONDO:0015356.

Allele frequency attached by ClinVar (database versions not stated): gnomAD exomes 0.00001.
gnomAD v4.1: 3 of 1,613,932 alleles (0.00019%); highest among the groups gnomAD compares: Admixed American, 0.005%; no homozygotes.

Submissions (3):

Labcorp Genetics (formerly Invitae), Labcorp
Classification: Uncertain significance for Hereditary pheochromocytoma and paraganglioma. Last evaluated: 2026-02-01. Review status: criteria provided, single submitter. Criteria: Invitae Variant Classification Sherloc (09022015). Collection method: clinical testing. Allele origin: germline.
Comment: This sequence change replaces glutamic acid, which is acidic and polar, with valine, which is neutral and non-polar, at codon 209 of the TMEM127 protein (p.Glu209Val). This variant is not present in population databases (gnomAD no frequency). This variant has not been reported in the literature in individuals affected with TMEM127-related conditions. ClinVar contains an entry for this variant (Variation ID: 826281). An algorithm developed to predict the effect of missense changes on protein structure and function (PolyPhen-2) suggests that this variant is likely to be tolerated. In summary, the available evidence is currently insufficient to determine the role of this variant in disease. Therefore, it has been classified as a Variant of Uncertain Significance.

GeneDx
Classification: Uncertain significance. Last evaluated: 2025-05-28. Review status: criteria provided, single submitter. Criteria: GeneDx Variant Classification Process June 2021. Collection method: clinical testing. Allele origin: germline. Affected: yes.
Comment: Not observed at significant frequency in large population cohorts (gnomAD); In silico analysis supports that this missense variant has a deleterious effect on protein structure/function; Has not been previously published as pathogenic or benign to our knowledge

Ambry Genetics
Classification: Uncertain significance for Hereditary cancer-predisposing syndrome. Last evaluated: 2024-03-21. Review status: criteria provided, single submitter. Criteria: Ambry Variant Classification Scheme 2023. Collection method: clinical testing. Allele origin: germline.
Comment: The p.E209V variant (also known as c.626A>T), located in coding exon 3 of the TMEM127 gene, results from an A to T substitution at nucleotide position 626. The glutamic acid at codon 209 is replaced by valine, an amino acid with dissimilar properties. This amino acid position is highly conserved in available vertebrate species. In addition, the in silico prediction for this alteration is inconclusive. Since supporting evidence is limited at this time, the clinical significance of this alteration remains unclear.

NM_017849.4(TMEM127):c.626A>T (p.Glu209Val)

Gene: TMEM127 (transmembrane protein 127; minus strand). Cytogenetic location: 2q11.2.
Variant type: single nucleotide variant.
Coding change: c.626A>T on transcript NM_017849.4 (MANE Select); coding-DNA position 626, A replaced by T.
Protein change: p.Glu209Val; replaces glutamic acid 209 with valine.
Molecular consequence: missense variant.
Genome position (GRCh38, 1-based): chr2:96,253,899, T>A on the plus strand (A>T on the coding strand, the complement: TMEM127 is on the minus strand). VCF-style: chr2-96253899-T-A. GRCh37 (hg19) VCF-style: chr2-96919637-T-A.
Other names: c.626A>T, p.Glu209Val (NM_001193304.3); short protein forms E209V.
Identifiers: ClinVar variation 826281 (VCV000826281.16), dbSNP rs1285100095, ClinGen allele CA347651853.